The following is an entry in ClinVar:

NM_000843.4(GRM6):c.49C>A (p.Pro17Thr)

Gene: GRM6 (glutamate metabotropic receptor 6; minus strand). Cytogenetic location: 5q35.3.
Variant type: single nucleotide variant.
Coding change: c.49C>A on transcript NM_000843.4 (MANE Select); coding-DNA position 49, C replaced by A.
Protein change: p.Pro17Thr; replaces proline 17 with threonine.
Molecular consequence: missense variant.
Genome position (GRCh38, 1-based): chr5:178,994,896, G>T on the plus strand (C>A on the coding strand, the complement: GRM6 is on the minus strand). VCF-style: chr5-178994896-G-T. GRCh37 (hg19) VCF-style: chr5-178421897-G-T.
Other names: short protein forms P17T.
Identifiers: ClinVar variation 842987 (VCV000842987.10), dbSNP rs1329916303, ClinGen allele CA362437173.

ClinVar aggregate classification (germline): Conflicting classifications of pathogenicity. Review status: criteria provided, conflicting classifications (1 of 4 stars). 4 submissions from 4 submitters: Uncertain significance (2); Benign (1). 1 of the submissions does not count toward it. Last evaluated 2025-12-15.

Conditions:
Inborn genetic diseases. Identifiers: MedGen C0950123, MeSH D030342.
Optic atrophy. Identifiers: MedGen C0029124, MONDO:0003608, HP:0000648.

Allele frequency attached by ClinVar (database versions not stated): TOPMed 0.00012; gnomAD exomes 0.00025; 1000 Genomes Project 30x 0.00094.
gnomAD v4.1: 295 of 1,209,002 alleles (0.024%); highest among the groups gnomAD compares: East Asian, 1%; 3 homozygotes.

Submissions (4):

Labcorp Genetics (formerly Invitae), Labcorp
Classification: Uncertain significance. Last evaluated: 2025-12-15. Review status: criteria provided, single submitter. Criteria: Invitae Variant Classification Sherloc (09022015). Collection method: clinical testing. Allele origin: germline.
Comment: This sequence change replaces proline, which is neutral and non-polar, with threonine, which is neutral and polar, at codon 17 of the GRM6 protein (p.Pro17Thr). This variant is not present in population databases (gnomAD no frequency). This variant has not been reported in the literature in individuals affected with GRM6-related conditions. ClinVar contains an entry for this variant (Variation ID: 842987). Invitae Evidence Modeling of protein sequence and biophysical properties (such as structural, functional, and spatial information, amino acid conservation, physicochemical variation, residue mobility, and thermodynamic stability) indicates that this missense variant is not expected to disrupt GRM6 protein function with a negative predictive value of 95%. In summary, the available evidence is currently insufficient to determine the role of this variant in disease. Therefore, it has been classified as a Variant of Uncertain Significance.

Blueprint Genetics
Classification: Benign. Last evaluated: 2024-09-23. Review status: criteria provided, single submitter. Criteria: ACMG Guidelines, 2015. Collection method: clinical testing. Allele origin: germline.

Ambry Genetics
Classification: Uncertain significance for Inborn genetic diseases. Last evaluated: 2024-05-20. Review status: criteria provided, single submitter. Criteria: Ambry Variant Classification Scheme 2023. Collection method: clinical testing. Allele origin: germline.

Institute of Human Genetics, Univ. Regensburg, Univ. Regensburg
Classification: Uncertain significance for Optic atrophy. Last evaluated: 2022-01-01. Review status: no assertion criteria provided. Criteria: ACMG Guidelines, 2015. Collection method: clinical testing. Allele origin: germline. Affected: yes. Not counted in ClinVar's aggregate classification.